The following is an entry in ClinVar:

NM_203447.4(DOCK8):c.4568G>A (p.Arg1523Gln)

Gene: DOCK8 (dedicator of cytokinesis 8; plus strand). Cytogenetic location: 9p24.3.
Variant type: single nucleotide variant.
Coding change: c.4568G>A on transcript NM_203447.4 (MANE Select); coding-DNA position 4568, G replaced by A.
Protein change: p.Arg1523Gln; replaces arginine 1523 with glutamine.
Molecular consequence: missense variant.
Genome position (GRCh38, 1-based): chr9:429,796, G>A. VCF-style: chr9-429796-G-A. GRCh37 (hg19) VCF-style: chr9-429796-G-A.
Other names: c.4268G>A, p.Arg1423Gln (NM_001190458.2); c.4364G>A, p.Arg1455Gln (NM_001193536.2); short protein forms R1455Q, R1423Q, R1523Q.
Identifiers: ClinVar variation 839087 (VCV000839087.7), dbSNP rs750380258, ClinGen allele CA4959130.

ClinVar aggregate classification (germline): Uncertain significance (1 of 4 stars; one submission).

Conditions:
Combined immunodeficiency due to DOCK8 deficiency (HIES2). Also called: HIES autosomal recessive; HYPER-IgE SYNDROME 2, AUTOSOMAL RECESSIVE, WITH RECURRENT INFECTIONS; DOCK8 Deficiency; Hyper-IgE recurrent infection syndrome, autosomal recessive; HYPER-IgE RECURRENT INFECTION SYNDROME 2, AUTOSOMAL RECESSIVE. Identifiers: Orphanet 217390, MedGen C4722305, MONDO:0009478, OMIM 243700.

Allele frequency attached by ClinVar (database versions not stated): ExAC 0.00001; gnomAD 0.00001; gnomAD exomes 0.00001 and 0.00002; TOPMed 0.00001.
gnomAD v4.1: 35 of 1,614,054 alleles (0.0022%); highest among the groups gnomAD compares: Non-Finnish European, 0.0025%; no homozygotes.

Submission:

Labcorp Genetics (formerly Invitae), Labcorp
Classification: Uncertain significance for Combined immunodeficiency due to DOCK8 deficiency. Last evaluated: 2022-07-29. Review status: criteria provided, single submitter. Criteria: Invitae Variant Classification Sherloc (09022015). Collection method: clinical testing. Allele origin: germline.
Comment: This sequence change replaces arginine, which is basic and polar, with glutamine, which is neutral and polar, at codon 1523 of the DOCK8 protein (p.Arg1523Gln). This variant is present in population databases (rs750380258, gnomAD 0.004%). This variant has not been reported in the literature in individuals affected with DOCK8-related conditions. ClinVar contains an entry for this variant (Variation ID: 839087). Algorithms developed to predict the effect of missense changes on protein structure and function (SIFT, PolyPhen-2, Align-GVGD) all suggest that this variant is likely to be disruptive. In summary, the available evidence is currently insufficient to determine the role of this variant in disease. Therefore, it has been classified as a Variant of Uncertain Significance.